The following is an entry in ClinVar:

NM_005529.7(HSPG2):c.8325C>T (p.Gly2775=)

Gene: HSPG2 (heparan sulfate proteoglycan 2; minus strand). Cytogenetic location: 1p36.12.
Variant type: single nucleotide variant.
Coding change: c.8325C>T on transcript NM_005529.7 (MANE Select); coding-DNA position 8325, C replaced by T.
Protein change: p.Gly2775=; no amino-acid change (glycine 2775 retained).
Molecular consequence: synonymous variant.
Genome position (GRCh38, 1-based): chr1:21,846,247, G>A on the plus strand (C>T on the coding strand, the complement: HSPG2 is on the minus strand). VCF-style: chr1-21846247-G-A. GRCh37 (hg19) VCF-style: chr1-22172740-G-A.
Other names: c.8328C>T, p.Gly2776= (NM_001291860.2).
Identifiers: ClinVar variation 447565 (VCV000447565.16), dbSNP rs142011049, ClinGen allele CA670816.
Genomic context (GRCh38, chr1:21,846,247, plus strand): 5'-CACCCGGCACACGTATTCACCCGAGTCGGCCGGGGACACATGGTGCAGCCGCAGCCGTGA[G>A]CCGCGGGTCTGAATAGGGGACAGGACAGAGGAACAGAGTCAGGTGCCAGTCTGGAACTGT-3'
Protein context (NP_005520.4, residues 2765-2785): GSLPSHHQTR[Gly2775=]SRLRLHHVSP

ClinVar aggregate classification (germline): Benign/Likely benign. Review status: criteria provided, multiple submitters, no conflicts (2 of 4 stars). 5 submissions from 5 submitters: Benign (1); Likely benign (3). 1 of the submissions does not count toward it. Last evaluated 2026-01-12.

Conditions:
HSPG2-related disorder. Also called: HSPG2-related condition; HSPG2-related disorders.

Allele frequency attached by ClinVar (database versions not stated): gnomAD exomes 0.00020 and 0.00041; ExAC 0.00051; ESP Exome Variant Server 0.00070; 1000 Genomes Project 30x 0.00078; gnomAD 0.00078 and 0.00081; TOPMed 0.00079; 1000 Genomes Project 0.00080.
gnomAD v4.1: 426 of 1,613,112 alleles (0.026%); highest among the groups gnomAD compares: African/African-American, 0.22%; 1 homozygote.

Submissions (5):

Labcorp Genetics (formerly Invitae), Labcorp
Classification: Benign. Last evaluated: 2026-01-12. Review status: criteria provided, single submitter. Criteria: Invitae Variant Classification Sherloc (09022015). Collection method: clinical testing. Allele origin: germline.

Blueprint Genetics
Classification: Likely benign. Last evaluated: 2024-10-17. Review status: criteria provided, single submitter. Criteria: ACMG Guidelines, 2015. Collection method: clinical testing. Allele origin: germline.

Athena Diagnostics
Classification: Likely benign. Last evaluated: 2018-06-14. Review status: criteria provided, single submitter. Criteria: Athena Diagnostics Criteria. Collection method: clinical testing. Allele origin: germline.

Breakthrough Genomics
Classification: Likely benign. Review status: criteria provided, single submitter. Criteria: ACMG Guidelines, 2015. Collection method: not provided. Allele origin: germline. Inheritance: Autosomal recessive inheritance. Affected: yes.

PreventionGenetics, part of Exact Sciences
Classification: Likely benign for HSPG2-related condition. Last evaluated: 2019-07-30. Review status: no assertion criteria provided. Collection method: clinical testing. Allele origin: germline. Not counted in ClinVar's aggregate classification.
Comment: This variant is classified as likely benign based on ACMG/AMP sequence variant interpretation guidelines (Richards et al. 2015 PMID: 25741868, with internal and published modifications).